The following is an entry in ClinVar:

NM_001042492.3(NF1):c.3821T>C (p.Leu1274Pro)

Gene: NF1 (neurofibromin 1; plus strand). Cytogenetic location: 17q11.2.
Variant type: single nucleotide variant.
Coding change: c.3821T>C on transcript NM_001042492.3 (MANE Select); coding-DNA position 3821, T replaced by C.
Protein change: p.Leu1274Pro; replaces leucine 1274 with proline.
Molecular consequence: missense variant.
Genome position (GRCh38, 1-based): chr17:31,235,723, T>C. VCF-style: chr17-31235723-T-C. GRCh37 (hg19) VCF-style: chr17-29562741-T-C.
Other names: c.3821T>C, p.Leu1274Pro (NM_000267.4); short protein forms L1274P.
Identifiers: ClinVar variation 2677177 (VCV002677177.2), dbSNP rs2151437971, ClinGen allele CA398992734.

ClinVar aggregate classification (germline): Uncertain significance. Review status: criteria provided, multiple submitters, no conflicts (2 of 4 stars). 2 submissions from 2 submitters: Uncertain significance (2). Last evaluated 2024-07-06.

Conditions:
Cardiovascular phenotype. Identifiers: MedGen CN230736.
Hereditary cancer-predisposing syndrome. Also called: Neoplastic Syndromes, Hereditary; Tumor predisposition; Hereditary Cancer Syndrome; Hereditary neoplastic syndrome. Identifiers: Orphanet 140162, MedGen C0027672, MeSH D009386, MONDO:0015356.
Juvenile myelomonocytic leukemia (JMML). Also called: LEUKEMIA, JUVENILE MYELOMONOCYTIC, SOMATIC. Identifiers: Orphanet 86834, MedGen C0349639, MONDO:0011908, OMIM 607785, HP:0012209.

Submissions (2):

Ambry Genetics
Classification: Uncertain significance for Cardiovascular phenotype; Hereditary cancer-predisposing syndrome. Last evaluated: 2024-07-06. Review status: criteria provided, single submitter. Criteria: Ambry Variant Classification Scheme 2023. Collection method: clinical testing. Allele origin: germline.
Comment: The p.L1274P variant (also known as c.3821T>C), located in coding exon 28 of the NF1 gene, results from a T to C substitution at nucleotide position 3821. The leucine at codon 1274 is replaced by proline, an amino acid with similar properties. This amino acid position is conserved. In addition, this alteration is predicted to be deleterious by in silico analysis. Based on the available evidence, the clinical significance of this variant remains unclear.

Baylor Genetics
Classification: Uncertain significance for Juvenile myelomonocytic leukemia. Last evaluated: 2023-10-06. Review status: criteria provided, single submitter. Criteria: ACMG Guidelines, 2015. Collection method: clinical testing. Allele origin: unknown.